The following is an entry in ClinVar:

ClinVar aggregate classification (germline): Uncertain significance (1 of 4 stars; one submission).

Conditions:
Joubert syndrome. Also called: CEREBELLOPARENCHYMAL DISORDER IV; JOUBERT-BOLTSHAUSER SYNDROME; Familial aplasia of the vermis. Identifiers: Orphanet 475, MedGen C5979921, MONDO:0018772.
Meckel-Gruber syndrome. Also called: DYSENCEPHALIA SPLANCHNOCYSTICA; GRUBER SYNDROME; Dysencephalia splachnocystica. Identifiers: Orphanet 564, MedGen C0265215, MONDO:0018921.

gnomAD v4.1: 4 of 1,613,952 alleles (0.00025%); highest among the groups gnomAD compares: Non-Finnish European, 0.00034%; no homozygotes.

Submission:

Labcorp Genetics (formerly Invitae), Labcorp
Classification: Uncertain significance for Joubert syndrome; Meckel-Gruber syndrome. Last evaluated: 2022-08-21. Review status: criteria provided, single submitter. Criteria: Invitae Variant Classification Sherloc (09022015). Collection method: clinical testing. Allele origin: germline.
Comment: This missense change has been observed in individual(s) with Joubert syndrome (PMID: 26092869). In summary, the available evidence is currently insufficient to determine the role of this variant in disease. Therefore, it has been classified as a Variant of Uncertain Significance. Algorithms developed to predict the effect of missense changes on protein structure and function (SIFT, PolyPhen-2, Align-GVGD) all suggest that this variant is likely to be tolerated. The frequency data for this variant in the population databases is considered unreliable, as metrics indicate poor data quality at this position in the gnomAD database. This sequence change replaces phenylalanine, which is neutral and non-polar, with leucine, which is neutral and non-polar, at codon 95 of the B9D1 protein (p.Phe95Leu).

Literature cited by the submitters: PubMed 26092869.

NM_015681.6(B9D1):c.285C>G (p.Phe95Leu)

Gene: B9D1 (B9 domain containing 1; minus strand). Cytogenetic location: 17p11.2.
Variant type: single nucleotide variant.
Coding change: c.285C>G on transcript NM_015681.6 (MANE Select); coding-DNA position 285, C replaced by G.
Protein change: p.Phe95Leu; replaces phenylalanine 95 with leucine.
Molecular consequence: missense variant. On other transcripts: 5 prime UTR variant (1).
Genome position (GRCh38, 1-based): chr17:19,347,840, G>C on the plus strand (C>G on the coding strand, the complement: B9D1 is on the minus strand). VCF-style: chr17-19347840-G-C. GRCh37 (hg19) VCF-style: chr17-19251153-G-C.
Other names: c.285C>G, p.Phe95Leu (NM_001321214.2, NM_001321215.3, NM_001321216.2 and 4 more transcripts); c.-76C>G (NM_001368769.2); short protein forms F95L.
Identifiers: ClinVar variation 2192237 (VCV002192237.4), dbSNP rs373478202, ClinGen allele CA8440283.